The following is an entry in ClinVar:

NM_153676.4(USH1C):c.387+17C>T

Gene: USH1C (USH1 protein network component harmonin; minus strand). Cytogenetic location: 11p15.1.
Variant type: single nucleotide variant.
Coding change: c.387+17C>T on transcript NM_153676.4 (MANE Select); 17 bases into the intron after coding-DNA position 387, C replaced by T.
Molecular consequence: intron variant.
Genome position (GRCh38, 1-based): chr11:17,531,137, G>A on the plus strand (C>T on the coding strand, the complement: USH1C is on the minus strand). VCF-style: chr11-17531137-G-A. GRCh37 (hg19) VCF-style: chr11-17552684-G-A.
Other names: c.387+17C>T (NM_001297764.2, NM_005709.4).
Identifiers: ClinVar variation 137893 (VCV000137893.18), dbSNP rs78718533, ClinGen allele CA291623.

ClinVar aggregate classification (germline): Benign. Review status: criteria provided, multiple submitters, no conflicts (2 of 4 stars). 3 submissions from 3 submitters: Benign (3). Last evaluated 2026-01-31.

Allele frequency attached by ClinVar (database versions not stated): gnomAD exomes 0.00243; ExAC 0.00326; 1000 Genomes Project 0.00879; gnomAD 0.00969; 1000 Genomes Project 30x 0.00984; TOPMed 0.01103; ESP Exome Variant Server 0.01225.
gnomAD v4.1: 2,844 of 1,613,888 alleles (0.18%); highest among the groups gnomAD compares: African/African-American, 3.3%; 54 homozygotes.

Submissions (3):

Labcorp Genetics (formerly Invitae), Labcorp
Classification: Benign. Last evaluated: 2026-01-31. Review status: criteria provided, single submitter. Criteria: Invitae Variant Classification Sherloc (09022015). Collection method: clinical testing. Allele origin: germline.

ARUP Laboratories, Molecular Genetics and Genomics, ARUP Laboratories
Classification: Benign. Last evaluated: 2020-02-14. Review status: criteria provided, single submitter. Criteria: ARUP Molecular Germline Variant Investigation Process. Collection method: clinical testing. Allele origin: germline.

GeneDx
Classification: Benign. Last evaluated: 2014-03-06. Review status: criteria provided, single submitter. Criteria: GeneDx Variant Classification (06012015). Collection method: clinical testing. Allele origin: germline. Affected: yes.
Comment: This variant is considered likely benign or benign based on one or more of the following criteria: it is a conservative change, it occurs at a poorly conserved position in the protein, it is predicted to be benign by multiple in silico algorithms, and/or has population frequency not consistent with disease.